The following is an entry in ClinVar:

NM_001130009.3(GEN1):c.2555A>G (p.Gln852Arg)

Gene: GEN1 (GEN1 Holliday junction 5' flap endonuclease; plus strand). Cytogenetic location: 2p24.2.
Variant type: single nucleotide variant.
Coding change: c.2555A>G on transcript NM_001130009.3 (MANE Select); coding-DNA position 2555, A replaced by G.
Protein change: p.Gln852Arg; replaces glutamine 852 with arginine.
Molecular consequence: missense variant.
Genome position (GRCh38, 1-based): chr2:17,781,767, A>G. VCF-style: chr2-17781767-A-G. GRCh37 (hg19) VCF-style: chr2-17963034-A-G.
Other names: c.2555A>G, p.Gln852Arg (NM_182625.5); short protein forms Q852R.
Identifiers: ClinVar variation 3853586 (VCV003853586.1).

ClinVar aggregate classification (germline): Uncertain significance (1 of 4 stars; one submission).

Submission:

Ambry Genetics
Classification: Uncertain significance. Last evaluated: 2025-02-21. Review status: criteria provided, single submitter. Criteria: Ambry Variant Classification Scheme 2023. Collection method: clinical testing. Allele origin: germline.
Comment: The p.Q852R variant (also known as c.2555A>G), located in coding exon 13 of the GEN1 gene, results from an A to G substitution at nucleotide position 2555. The glutamine at codon 852 is replaced by arginine, an amino acid with highly similar properties. This amino acid position is conserved. In addition, this alteration is predicted to be tolerated by in silico analysis. Based on the available evidence, the clinical significance of this variant remains unclear.